The following is an entry in ClinVar:

NM_005909.5(MAP1B):c.7085A>G (p.Tyr2362Cys)

Gene: MAP1B (microtubule associated protein 1B; plus strand). Cytogenetic location: 5q13.2.
Variant type: single nucleotide variant.
Coding change: c.7085A>G on transcript NM_005909.5 (MANE Select); coding-DNA position 7085, A replaced by G.
Protein change: p.Tyr2362Cys; replaces tyrosine 2362 with cysteine.
Molecular consequence: missense variant.
Genome position (GRCh38, 1-based): chr5:72,203,635, A>G. VCF-style: chr5-72203635-A-G. GRCh37 (hg19) VCF-style: chr5-71499462-A-G.
Other names: c.6707A>G, p.Tyr2236Cys (NM_001324255.2); short protein forms Y2236C, Y2362C.
Identifiers: ClinVar variation 4975442 (VCV004975442.1).

ClinVar aggregate classification (germline): Uncertain significance (1 of 4 stars; one submission).

Submission:

GeneDx
Classification: Uncertain significance. Last evaluated: 2026-01-22. Review status: criteria provided, single submitter. Criteria: GeneDx Variant Classification Process June 2021. Collection method: clinical testing. Allele origin: germline.
Comment: Not observed at significant frequency in large population cohorts (gnomAD); In silico analysis supports that this missense variant has a deleterious effect on protein structure/function; Has not been previously published as pathogenic or benign to our knowledge